The following is an entry in ClinVar:

ClinVar aggregate classification (germline): Uncertain significance (1 of 4 stars; one submission).

gnomAD v4.1: 6 of 1,614,046 alleles (0.00037%); highest among the groups gnomAD compares: Non-Finnish European, 0.00051%; no homozygotes.

Submission:

GeneDx
Classification: Uncertain significance. Last evaluated: 2025-07-08. Review status: criteria provided, single submitter. Criteria: GeneDx Variant Classification Process June 2021. Collection method: clinical testing. Allele origin: germline. Affected: yes.
Comment: Not observed at significant frequency in large population cohorts (gnomAD); In silico analysis suggests that this missense variant does not alter protein structure/function; Has not been previously published as pathogenic or benign to our knowledge

NM_004817.4(TJP2):c.3346G>A (p.Asp1116Asn)

Gene: TJP2 (tight junction protein 2; plus strand). Cytogenetic location: 9q21.11.
Variant type: single nucleotide variant.
Coding change: c.3346G>A on transcript NM_004817.4 (MANE Select); coding-DNA position 3346, G replaced by A.
Protein change: p.Asp1116Asn; replaces aspartic acid 1116 with asparagine.
Molecular consequence: missense variant.
Genome position (GRCh38, 1-based): chr9:69,252,839, G>A. VCF-style: chr9-69252839-G-A. GRCh37 (hg19) VCF-style: chr9-71867755-G-A.
Other names: c.2836G>A, p.Asp946Asn (NM_001170414.2); c.3247G>A, p.Asp1083Asn (NM_001170415.1); c.3439G>A, p.Asp1147Asn (NM_001170416.2); c.3271G>A, p.Asp1091Asn (NM_001369870.1); c.3277G>A, p.Asp1093Asn (NM_001369871.1); c.3235G>A, p.Asp1079Asn (NM_001369872.1); c.3022G>A, p.Asp1008Asn (NM_001369873.1); c.2917G>A, p.Asp973Asn (NM_001369874.1); and 2 more; short protein forms D1008N, D1079N, D1083N, D1091N, D1093N, D1116N, D1120N, D1147N.
Identifiers: ClinVar variation 4685172 (VCV004685172.1).